The following is an entry in ClinVar:

ClinVar aggregate classification (germline): Likely pathogenic (1 of 4 stars; one submission).

Conditions:
Mucopolysaccharidosis, MPS-IV-A (MPS4A). Also called: Mucopolysaccharidosis type IV A; Mucopolysaccharidosis Type IVA; Morquio syndrome A, mild; MORQUIO SYNDROME A; GALACTOSAMINE-6-SULFATASE DEFICIENCY; GALNS DEFICIENCY. Identifiers: Orphanet 309297, Orphanet 582, MedGen C0086651, MONDO:0009659, OMIM 253000.

Submission:

Labcorp Genetics (formerly Invitae), Labcorp
Classification: Likely pathogenic for Mucopolysaccharidosis, MPS-IV-A. Last evaluated: 2023-06-27. Review status: criteria provided, single submitter. Criteria: Invitae Variant Classification Sherloc (09022015). Collection method: clinical testing. Allele origin: germline.
Comment: In summary, the currently available evidence indicates that the variant is pathogenic, but additional data are needed to prove that conclusively. Therefore, this variant has been classified as Likely Pathogenic. This variant disrupts the p.Ala234 amino acid residue in GALNS. Other variant(s) that disrupt this residue have been determined to be pathogenic (PMID: 34387910; Invitae). This suggests that this residue is clinically significant, and that variants that disrupt this residue are likely to be disease-causing. Advanced modeling of protein sequence and biophysical properties (such as structural, functional, and spatial information, amino acid conservation, physicochemical variation, residue mobility, and thermodynamic stability) performed at Invitae indicates that this missense variant is expected to disrupt GALNS protein function. This variant has not been reported in the literature in individuals affected with GALNS-related conditions. This variant is present in population databases (rs368603508, gnomAD 0.01%). This sequence change replaces alanine, which is neutral and non-polar, with serine, which is neutral and polar, at codon 234 of the GALNS protein (p.Ala234Ser).

Literature cited by the submitters: PubMed 34387910.

NM_000512.5(GALNS):c.700G>T (p.Ala234Ser)

Gene: GALNS (galactosamine (N-acetyl)-6-sulfatase; minus strand). Cytogenetic location: 16q24.3.
Variant type: single nucleotide variant.
Coding change: c.700G>T on transcript NM_000512.5 (MANE Select); coding-DNA position 700, G replaced by T.
Protein change: p.Ala234Ser; replaces alanine 234 with serine.
Molecular consequence: missense variant.
Genome position (GRCh38, 1-based): chr16:88,835,783, C>A on the plus strand (G>T on the coding strand, the complement: GALNS is on the minus strand). VCF-style: chr16-88835783-C-A. GRCh37 (hg19) VCF-style: chr16-88902191-C-A.
Other names: c.145G>T, p.Ala49Ser (NM_001323543.2); c.718G>T, p.Ala240Ser (NM_001323544.2); short protein forms A234S, A240S, A49S.
Identifiers: ClinVar variation 2909463 (VCV002909463.3), dbSNP rs368603508, ClinGen allele CA8235025.